The following is an entry in ClinVar:

NM_002335.4(LRP5):c.3917C>T (p.Ala1306Val)

Gene: LRP5 (LDL receptor related protein 5; plus strand). Cytogenetic location: 11q13.2.
Variant type: single nucleotide variant.
Coding change: c.3917C>T on transcript NM_002335.4 (MANE Select); coding-DNA position 3917, C replaced by T.
Protein change: p.Ala1306Val; replaces alanine 1306 with valine.
Molecular consequence: missense variant.
Genome position (GRCh38, 1-based): chr11:68,433,755, C>T. VCF-style: chr11-68433755-C-T. GRCh37 (hg19) VCF-style: chr11-68201223-C-T.
Other names: c.2174C>T, p.Ala725Val (NM_001291902.2); short protein forms A1306V, A725V.
Identifiers: ClinVar variation 1024332 (VCV001024332.14), dbSNP rs772148405, ClinGen allele CA6150153.

ClinVar aggregate classification (germline): Uncertain significance. Review status: criteria provided, multiple submitters, no conflicts (2 of 4 stars). 3 submissions from 3 submitters: Uncertain significance (3). Last evaluated 2025-04-21.

Conditions:
Exudative vitreoretinopathy 4 (EVR4). Identifiers: Orphanet 891, MedGen C1866176, MONDO:0011151, OMIM 601813.
Worth disease. Also called: Autosomal dominant osteosclerosis, Worth type; ENDOSTEAL HYPEROSTOSIS, AUTOSOMAL DOMINANT; OSTEOSCLEROSIS, AUTOSOMAL DOMINANT. Identifiers: Orphanet 2790, MedGen C0432273, MONDO:0007764, OMIM 144750.
Polycystic liver disease 4 with or without kidney cysts. Identifiers: MedGen C4693479, MONDO:0044327, OMIM 617875.
Exudative vitreoretinopathy 1 (EVR1). Also called: FEVR, AUTOSOMAL DOMINANT; Familial exudative vitreoretinopathy, autosomal dominant; CRISWICK-SCHEPENS SYNDROME. Identifiers: Orphanet 891, Orphanet 90050, MedGen C1851402, MONDO:0007589, OMIM 133780.
Osteoporosis with pseudoglioma (OPPG). Also called: osteoporosis-pseudoglioma syndrome. Identifiers: Orphanet 2788, MedGen C0432252, MONDO:0009820, OMIM 259770.
Autosomal dominant osteopetrosis 1 (OPTA1). Also called: OSTEOPETROSIS, AUTOSOMAL DOMINANT, TYPE I. Identifiers: Orphanet 2783, MedGen C1843330, MONDO:0011877, OMIM 607634.
Bone mineral density quantitative trait locus 1 (BMND1). Identifiers: MedGen C1866079, OMIM 601884.
Osteoporosis. Identifiers: MedGen C0029456, MONDO:0005298, OMIM 166710, HP:0000939.

Allele frequency attached by ClinVar (database versions not stated): gnomAD 0.00003 and 0.00004; TOPMed 0.00003.
gnomAD v4.1: 20 of 1,612,644 alleles (0.0012%); highest among the groups gnomAD compares: Middle Eastern, 0.016%; no homozygotes.

Submissions (3):

Labcorp Genetics (formerly Invitae), Labcorp
Classification: Uncertain significance. Last evaluated: 2025-04-21. Review status: criteria provided, single submitter. Criteria: Invitae Variant Classification Sherloc (09022015). Collection method: clinical testing. Allele origin: germline.
Comment: This sequence change replaces alanine, which is neutral and non-polar, with valine, which is neutral and non-polar, at codon 1306 of the LRP5 protein (p.Ala1306Val). This variant is present in population databases (rs772148405, gnomAD 0.01%). This variant has not been reported in the literature in individuals affected with LRP5-related conditions. ClinVar contains an entry for this variant (Variation ID: 1024332). Invitae Evidence Modeling of protein sequence and biophysical properties (such as structural, functional, and spatial information, amino acid conservation, physicochemical variation, residue mobility, and thermodynamic stability) indicates that this missense variant is not expected to disrupt LRP5 protein function with a negative predictive value of 95%. In summary, the available evidence is currently insufficient to determine the role of this variant in disease. Therefore, it has been classified as a Variant of Uncertain Significance.

Fulgent Genetics
Classification: Uncertain significance for Exudative vitreoretinopathy 1; Worth disease; Osteoporosis; Osteoporosis with pseudoglioma; Exudative vitreoretinopathy 4; Bone mineral density quantitative trait locus 1; Autosomal dominant osteopetrosis 1; Polycystic liver disease 4 with or without kidney cysts. Last evaluated: 2022-02-11. Review status: criteria provided, single submitter. Criteria: ACMG Guidelines, 2015. Collection method: clinical testing. Allele origin: unknown.

Blueprint Genetics
Classification: Uncertain significance. Last evaluated: 2020-12-09. Review status: criteria provided, single submitter. Criteria: ACMG Guidelines, 2015. Collection method: clinical testing. Allele origin: germline.